The following is an entry in ClinVar:

ClinVar aggregate classification (germline): Uncertain significance. Review status: criteria provided, multiple submitters, no conflicts (2 of 4 stars). 2 submissions from 2 submitters: Uncertain significance (2). Last evaluated 2026-01-14.

Allele frequency attached by ClinVar (database versions not stated): gnomAD exomes 0.00003 and 0.00005; ExAC 0.00004; gnomAD 0.00006 and 0.00008; 1000 Genomes Project 30x 0.00078; TOPMed 0.00019; 1000 Genomes Project 0.00060.
gnomAD v4.1: 84 of 1,614,120 alleles (0.0052%); highest among the groups gnomAD compares: Admixed American, 0.033%; 1 homozygote.

Submissions (2):

Labcorp Genetics (formerly Invitae), Labcorp
Classification: Uncertain significance. Last evaluated: 2026-01-14. Review status: criteria provided, single submitter. Criteria: Invitae Variant Classification Sherloc (09022015). Collection method: clinical testing. Allele origin: germline.
Comment: This sequence change replaces proline, which is neutral and non-polar, with leucine, which is neutral and non-polar, at codon 639 of the MYLK3 protein (p.Pro639Leu). This variant is present in population databases (rs192689311, gnomAD 0.007%). This variant has not been reported in the literature in individuals affected with MYLK3-related conditions. ClinVar contains an entry for this variant (Variation ID: 1354489). An algorithm developed to predict the effect of missense changes on protein structure and function (PolyPhen-2) suggests that this variant is likely to be disruptive. In summary, the available evidence is currently insufficient to determine the role of this variant in disease. Therefore, it has been classified as a Variant of Uncertain Significance.

Mayo Clinic Laboratories, Mayo Clinic
Classification: Uncertain significance. Last evaluated: 2024-05-09. Review status: criteria provided, single submitter. Criteria: ACMG Guidelines, 2015. Collection method: clinical testing. Allele origin: germline. Observed: 1 variant allele.

NM_182493.3(MYLK3):c.1916C>T (p.Pro639Leu)

Gene: MYLK3 (myosin light chain kinase 3; minus strand). Cytogenetic location: 16q11.2.
Variant type: single nucleotide variant.
Coding change: c.1916C>T on transcript NM_182493.3 (MANE Select); coding-DNA position 1916, C replaced by T.
Protein change: p.Pro639Leu; replaces proline 639 with leucine.
Molecular consequence: missense variant.
Genome position (GRCh38, 1-based): chr16:46,721,192, G>A on the plus strand (C>T on the coding strand, the complement: MYLK3 is on the minus strand). VCF-style: chr16-46721192-G-A. GRCh37 (hg19) VCF-style: chr16-46755104-G-A.
Other names: p.Pro639Leu; c.893C>T, p.Pro298Leu (NM_001308301.1); short protein forms P639L, P298L.
Identifiers: ClinVar variation 1354489 (VCV001354489.7), dbSNP rs192689311, ClinGen allele CA8037796.
Genomic context (GRCh38, chr16:46,721,192, plus strand): 5'-AGCCCAAAGTCAATGATCTTAATTTGATGTCCTGTCTGATTGACGCACAATATGTTCTCC[G>A]GCTGGGAAAGAAAGAAGTCTGCTTAGCCCAAGCAATAGCTGAGGAGGTCTGCAGCTGCCA-3'
Protein context (NP_872299.2, residues 629-649): QHYILHLDLK[Pro639Leu]ENILCVNQTG